The following is an entry in ClinVar:

ClinVar aggregate classification (germline): Uncertain significance. Review status: criteria provided, multiple submitters, no conflicts (2 of 4 stars). 3 submissions from 3 submitters: Uncertain significance (3). Last evaluated 2025-09-01.

Conditions:
Werner syndrome (WRN). Identifiers: Orphanet 902, MedGen C0043119, MONDO:0010196, OMIM 277700.

Submissions (3):

Dasa
Classification: Uncertain significance. Last evaluated: 2025-09-01. Review status: criteria provided, single submitter. Criteria: DASA Assertion Criteria. Collection method: clinical testing. Allele origin: germline.
Comment: NM_000553.6(WRN):c.3209_3211delinsTTT (p.Cys1070_Pro1071delinsPheSer) is an in-frame insertion/deletion-insertion predicted to alter the protein sequence without shifting the reading frame. This variant is absent from population databases. The currently available literature and clinical evidence are not sufficient to establish a definitive association between this variant and the reported condition. Therefore, this variant is classified as a variant of uncertain significance.

Fulgent Genetics
Classification: Uncertain significance for Werner syndrome. Last evaluated: 2022-05-25. Review status: criteria provided, single submitter. Criteria: ACMG Guidelines, 2015. Collection method: clinical testing. Allele origin: unknown.

Labcorp Genetics (formerly Invitae), Labcorp
Classification: Uncertain significance for Werner syndrome. Last evaluated: 2017-08-11. Review status: criteria provided, single submitter. Criteria: Invitae Variant Classification Sherloc (09022015). Collection method: clinical testing. Allele origin: germline.
Comment: This variant, c.3209_3211delinsTTT, is a complex sequence change that replaces two amino acids, cysteine and proline with phenyalanine and serine at codons 1070-1071 of the WRN protein (p.Cys1070_Pro1071delinsPheSer). The cysteine and proline residues are moderately conserved. This variant is reported as two separate single-nucleotide changes in population databases (c.3209G>T, ExAC 0.1% and c.3211C>T, ExAC 0.1%). However, in the read data for all individuals displayed in the ExAC browser, these two variants are in cis. This recapitulates the variant observed here (c.3209_3211delinsTTT) and indicates that this variant is very likely present in the population databases at 0.1%. This variant has not been reported in the literature in individuals with WRN-related disease. ClinVar contains an entry for this variant (Variation ID: 238148). While algorithms developed to predict the effect of missense changes on protein structure and function (SIFT, PolyPhen-2, Align-GVGD) all suggest that the two missense changes, p.Cys1070Phe and p.Pro1071Ser are likely to be tolerated independently, it is uncertain how these two amino acid changes in combination affect protein function. In summary, the available evidence is currently insufficient to determine the role of this variant in disease. Therefore, it has been classified as a Variant of Uncertain Significance.

NM_000553.6(WRN):c.3209_3211delinsTTT (p.Cys1070_Pro1071delinsPheSer)

Gene: WRN (WRN RecQ like helicase; plus strand). Cytogenetic location: 8p12.
Variant type: Indel.
Coding change: c.3209_3211delinsTTT on transcript NM_000553.6 (MANE Select); coding-DNA positions 3209 to 3211, GTC replaced by TTT.
Protein change: p.Cys1070_Pro1071delinsPheSer.
Molecular consequence: missense variant.
Genome position (GRCh38, 1-based): chr8:31,141,751-31,141,753, GTC replaced by TTT. VCF-style: chr8-31141751-GTC-TTT. GRCh37 (hg19) VCF-style: chr8-30999267-GTC-TTT.
Identifiers: ClinVar variation 238148 (VCV000238148.4), dbSNP rs878854138, ClinGen allele CA10582584.